The following is an entry in ClinVar:

ClinVar aggregate classification (germline): Pathogenic. Review status: criteria provided, multiple submitters, no conflicts (2 of 4 stars). 4 submissions from 4 submitters: Pathogenic (4). Last evaluated 2026-01-19.

Conditions:
SLC6A5-related disorder. Also called: SLC6A5-related condition.
Hyperekplexia 3 (HKPX3). Also called: HYPEREKPLEXIA 3, AUTOSOMAL RECESSIVE; HYPEREKPLEXIA 3, AUTOSOMAL DOMINANT. Identifiers: Orphanet 3197, MedGen C3553288, MONDO:0013827, OMIM 614618.
Inborn genetic diseases. Identifiers: MedGen C0950123, MeSH D030342.

Allele frequency attached by ClinVar (database versions not stated): ExAC 0.00001; gnomAD 0.00002 and 0.00003; gnomAD exomes 0.00004; TOPMed 0.00004.
gnomAD v4.1: 69 of 1,613,444 alleles (0.0043%); highest among the groups gnomAD compares: South Asian, 0.0066%; no homozygotes.

Submissions (4):

Labcorp Genetics (formerly Invitae), Labcorp
Classification: Pathogenic for Hyperekplexia 3. Last evaluated: 2026-01-19. Review status: criteria provided, single submitter. Criteria: Invitae Variant Classification Sherloc (09022015). Collection method: clinical testing. Allele origin: germline.
Comment: This sequence change creates a premature translational stop signal (p.Arg439*) in the SLC6A5 gene. It is expected to result in an absent or disrupted protein product. Loss-of-function variants in SLC6A5 are known to be pathogenic (PMID: 14622583, 16751771, 22700964). This variant is present in population databases (rs142573911, gnomAD 0.01%). This premature translational stop signal has been observed in individual(s) with hyperekplexia (PMID: 21515498, 22700964). ClinVar contains an entry for this variant (Variation ID: 1323615). For these reasons, this variant has been classified as Pathogenic.

3billion
Classification: Pathogenic for Hyperekplexia 3. Last evaluated: 2025-08-25. Review status: criteria provided, single submitter. Criteria: ACMG Guidelines, 2015. Collection method: clinical testing. Allele origin: germline. Affected: yes.
Comment: The variant is observed at an extremely low frequency in the gnomAD v4.1.0 dataset (total allele frequency: 0.004%). Predicted Consequence/Location: Stop-gained (nonsense): predicted to result in a loss or disruption of normal protein function through nonsense-mediated decay (NMD) or protein truncation. Multiple pathogenic variants are reported downstream of the variant. The variant has been reported at least twice as pathogenic without evidence for the classification (ClinVar ID: VCV001323615 /PMID: 21515498). Therefore, this variant is classified as Pathogenic according to the recommendation of ACMG/AMP guideline.

Blueprint Genetics
Classification: Pathogenic for SLC6A5-related disorders. Last evaluated: 2024-06-06. Review status: criteria provided, single submitter. Criteria: ACMG Guidelines, 2015. Collection method: clinical testing. Allele origin: germline. Affected: yes. Observed: 4 variant alleles.

Ambry Genetics
Classification: Pathogenic for Inborn genetic diseases. Last evaluated: 2022-06-17. Review status: criteria provided, single submitter. Criteria: Ambry Variant Classification Scheme 2023. Collection method: clinical testing. Allele origin: germline.
Comment: The c.1315C>T (p.R439*) alteration, located in exon 8 (coding exon 8) of the SLC6A5 gene, consists of a C to T substitution at nucleotide position 1315. This changes the amino acid from a arginine (R) to a stop codon at amino acid position 439. This alteration is expected to result in loss of function by premature protein truncation or nonsense-mediated mRNA decay. This variant has been detected in the homozygous state, and in conjunction with another SLC6A5 alteration, in multiple individuals with SLC6A5-related hyperekplexia (Mineyko, 2011; Carta, 2012). Based on the available evidence, this alteration is classified as pathogenic.

Literature cited by the submitters: PubMed 14622583 (cited by Labcorp Genetics (formerly Invitae), Labcorp); PubMed 16751771 (cited by Labcorp Genetics (formerly Invitae), Labcorp); PubMed 22700964 (cited by Labcorp Genetics (formerly Invitae), Labcorp and Ambry Genetics); PubMed 21515498 (cited by 3 submitters).

NM_004211.5(SLC6A5):c.1315C>T (p.Arg439Ter)

Gene: SLC6A5 (solute carrier family 6 member 5; plus strand). Cytogenetic location: 11p15.1.
Variant type: single nucleotide variant.
Coding change: c.1315C>T on transcript NM_004211.5 (MANE Select); coding-DNA position 1315, C replaced by T.
Protein change: p.Arg439Ter; replaces arginine 439 with a stop codon.
Molecular consequence: nonsense.
Genome position (GRCh38, 1-based): chr11:20,626,762, C>T. VCF-style: chr11-20626762-C-T. GRCh37 (hg19) VCF-style: chr11-20648308-C-T.
Other names: c.613C>T, p.Arg205Ter (NM_001318369.2); short protein forms R205*, R439*.
Identifiers: ClinVar variation 1323615 (VCV001323615.10), dbSNP rs142573911, ClinGen allele CA5921404.